The following is an entry in ClinVar:

ClinVar aggregate classification (germline): Uncertain significance (1 of 4 stars; one submission).

Conditions:
Wiskott-Aldrich syndrome 2 (WAS2). Also called: WIPF1 DEFICIENCY. Identifiers: Orphanet 906, MedGen C3281001, MONDO:0013779, OMIM 614493.

Allele frequency attached by ClinVar (database versions not stated): TOPMed below 0.00001; gnomAD exomes 0.00001; ExAC 0.00002.

Submission:

Labcorp Genetics (formerly Invitae), Labcorp
Classification: Uncertain significance for Wiskott-Aldrich syndrome 2. Last evaluated: 2020-03-22. Review status: criteria provided, single submitter. Criteria: Invitae Variant Classification Sherloc (09022015). Collection method: clinical testing. Allele origin: germline.
Comment: Algorithms developed to predict the effect of missense changes on protein structure and function are either unavailable or do not agree on the potential impact of this missense change (SIFT: "Not Available"; PolyPhen-2: "Probably Damaging"; Align-GVGD: "Not Available"). In summary, the available evidence is currently insufficient to determine the role of this variant in disease. Therefore, it has been classified as a Variant of Uncertain Significance. This variant has not been reported in the literature in individuals with WIPF1-related conditions. This variant is present in population databases (rs771227574, ExAC 0.003%). This sequence change replaces proline with serine at codon 360 of the WIPF1 protein (p.Pro360Ser). The proline residue is highly conserved and there is a moderate physicochemical difference between proline and serine.

NM_001375834.1(WIPF1):c.1078C>T (p.Pro360Ser)

Gene: WIPF1 (WAS/WASL interacting protein family member 1; minus strand). Cytogenetic location: 2q31.1.
Variant type: single nucleotide variant.
Coding change: c.1078C>T on transcript NM_001375834.1 (MANE Select); coding-DNA position 1078, C replaced by T.
Protein change: p.Pro360Ser; replaces proline 360 with serine.
Molecular consequence: missense variant.
Genome position (GRCh38, 1-based): chr2:174,571,727, G>A on the plus strand (C>T on the coding strand, the complement: WIPF1 is on the minus strand). VCF-style: chr2-174571727-G-A. GRCh37 (hg19) VCF-style: chr2-175436455-G-A.
Other names: c.1078C>T, p.Pro360Ser (NM_001077269.1, NM_001375832.1, NM_001375833.1 and 5 more transcripts); c.700C>T, p.Pro234Ser (NM_001375839.1); short protein forms P234S, P360S.
Identifiers: ClinVar variation 1004966 (VCV001004966.7), dbSNP rs771227574, ClinGen allele CA1974008.